The following is an entry in ClinVar:

ClinVar aggregate classification (germline): Uncertain significance. Review status: criteria provided, multiple submitters, no conflicts (2 of 4 stars). 2 submissions from 2 submitters: Uncertain significance (2). Last evaluated 2025-08-28.

Conditions:
Inborn genetic diseases. Identifiers: MedGen C0950123, MeSH D030342.

Allele frequency attached by ClinVar (database versions not stated): gnomAD exomes below 0.00001; gnomAD 0.00001; ExAC 0.00002; TOPMed 0.00006.
gnomAD v4.1: 7 of 1,613,954 alleles (0.00043%); highest among the groups gnomAD compares: African/African-American, 0.0053%; no homozygotes.

Submissions (2):

Ambry Genetics
Classification: Uncertain significance for Inborn genetic diseases. Last evaluated: 2025-08-28. Review status: criteria provided, single submitter. Criteria: Ambry Variant Classification Scheme 2023. Collection method: clinical testing. Allele origin: germline.

Labcorp Genetics (formerly Invitae), Labcorp
Classification: Uncertain significance. Last evaluated: 2022-03-26. Review status: criteria provided, single submitter. Criteria: Invitae Variant Classification Sherloc (09022015). Collection method: clinical testing. Allele origin: germline.
Comment: In summary, the available evidence is currently insufficient to determine the role of this variant in disease. Therefore, it has been classified as a Variant of Uncertain Significance. Algorithms developed to predict the effect of missense changes on protein structure and function (SIFT, PolyPhen-2, Align-GVGD) all suggest that this variant is likely to be disruptive. This variant has not been reported in the literature in individuals affected with NANS-related conditions. This variant is present in population databases (rs767649439, gnomAD 0.01%). This sequence change replaces serine, which is neutral and polar, with cysteine, which is neutral and slightly polar, at codon 224 of the NANS protein (p.Ser224Cys).

NM_018946.4(NANS):c.671C>G (p.Ser224Cys)

Genes: TRIM14 (tripartite motif containing 14; minus strand), NANS (N-acetylneuraminate synthase; plus strand). Cytogenetic location: 9q22.33.
Variant type: single nucleotide variant.
Coding change: c.671C>G on transcript NM_018946.4 (MANE Select); coding-DNA position 671, C replaced by G.
Protein change: p.Ser224Cys; replaces serine 224 with cysteine.
Molecular consequence: missense variant.
Genome position (GRCh38, 1-based): chr9:98,080,883, C>G. VCF-style: chr9-98080883-C-G. GRCh37 (hg19) VCF-style: chr9-100843165-C-G.
Other names: c.671C>G (NM_018946.3); short protein forms S224C.
Identifiers: ClinVar variation 1987134 (VCV001987134.5), dbSNP rs767649439, ClinGen allele CA5150363.